The following is an entry in ClinVar:

NM_000374.5(UROD):c.907G>A (p.Gly303Ser)

Gene: UROD (uroporphyrinogen decarboxylase; plus strand). Cytogenetic location: 1p34.1.
Variant type: single nucleotide variant.
Coding change: c.907G>A on transcript NM_000374.5 (MANE Select); coding-DNA position 907, G replaced by A.
Protein change: p.Gly303Ser; replaces glycine 303 with serine.
Molecular consequence: missense variant. On other transcripts: non-coding transcript variant (3).
Genome position (GRCh38, 1-based): chr1:45,014,971, G>A. VCF-style: chr1-45014971-G-A. GRCh37 (hg19) VCF-style: chr1-45480643-G-A.
Other names: short protein forms G303S.
Identifiers: ClinVar variation 2733892 (VCV002733892.3), dbSNP rs964670864, ClinGen allele CA21796528.
Genomic context (GRCh38, chr1:45,014,971, plus strand): 5'-CCAGAACGTGGCGCTGGCTTTGCTTCCAGGGAGTGTGTGGGGAAGACGGTGACATTGCAG[G>A]GCAACCTGGACCCCTGTGCCTTGTATGCATCTGAGGTAACAGCCAGGGCCCCTCTGTGTG-3'
Protein context (NP_000365.3, residues 293-313): ECVGKTVTLQ[Gly303Ser]NLDPCALYAS

ClinVar aggregate classification (germline): Likely pathogenic (1 of 4 stars; one submission).

Allele frequency attached by ClinVar (database versions not stated): TOPMed 0.00001.

Submission:

Labcorp Genetics (formerly Invitae), Labcorp
Classification: Likely pathogenic. Last evaluated: 2025-01-12. Review status: criteria provided, single submitter. Criteria: Invitae Variant Classification Sherloc (09022015). Collection method: clinical testing. Allele origin: germline.
Comment: This sequence change replaces glycine, which is neutral and non-polar, with serine, which is neutral and polar, at codon 303 of the UROD protein (p.Gly303Ser). This variant is not present in population databases (gnomAD no frequency). This missense change has been observed in individual(s) with clinical features of UROD-related conditions (PMID: 11069625; internal data). ClinVar contains an entry for this variant (Variation ID: 2733892). Invitae Evidence Modeling of protein sequence and biophysical properties (such as structural, functional, and spatial information, amino acid conservation, physicochemical variation, residue mobility, and thermodynamic stability) indicates that this missense variant is expected to disrupt UROD protein function with a positive predictive value of 80%. In summary, the currently available evidence indicates that the variant is pathogenic, but additional data are needed to prove that conclusively. Therefore, this variant has been classified as Likely Pathogenic.

Literature cited by the submitters: PubMed 11069625.